The following is an entry in ClinVar:

ClinVar aggregate classification (germline): Benign/Likely benign. Review status: criteria provided, multiple submitters, no conflicts (2 of 4 stars). 3 submissions from 3 submitters: Benign (1); Likely benign (2). Last evaluated 2026-02-03.

Conditions:
Pitt-Hopkins-like syndrome 2 (PTHSL2). Identifiers: Orphanet 221150, Orphanet 600663, MedGen C3280479, MONDO:0013690, OMIM 614325.

Allele frequency attached by ClinVar (database versions not stated): 1000 Genomes Project 30x 0.00031; 1000 Genomes Project 0.00040; ExAC 0.00057; gnomAD exomes 0.00063; TOPMed 0.00066; gnomAD 0.00076; ESP Exome Variant Server 0.00084.
gnomAD v4.1: 2,074 of 1,442,570 alleles (0.14%); highest among the groups gnomAD compares: Non-Finnish European, 0.18%; 3 homozygotes.

Submissions (3):

Labcorp Genetics (formerly Invitae), Labcorp
Classification: Likely benign for Pitt-Hopkins-like syndrome 2. Last evaluated: 2026-02-03. Review status: criteria provided, single submitter. Criteria: Invitae Variant Classification Sherloc (09022015). Collection method: clinical testing. Allele origin: germline.

Blueprint Genetics
Classification: Likely benign. Last evaluated: 2024-10-11. Review status: criteria provided, single submitter. Criteria: ACMG Guidelines, 2015. Collection method: clinical testing. Allele origin: germline.

GeneDx
Classification: Benign. Last evaluated: 2013-05-24. Review status: criteria provided, single submitter. Criteria: GeneDx Variant Classification (06012015). Collection method: clinical testing. Allele origin: germline. Affected: yes.
Comment: This variant is considered likely benign or benign based on one or more of the following criteria: it is a conservative change, it occurs at a poorly conserved position in the protein, it is predicted to be benign by multiple in silico algorithms, and/or has population frequency not consistent with disease.

NM_001330078.2(NRXN1):c.2879+20A>G

Gene: NRXN1 (neurexin 1; minus strand). Cytogenetic location: 2p16.3.
Variant type: single nucleotide variant.
Coding change: c.2879+20A>G on transcript NM_001330078.2 (MANE Select); 20 bases into the intron after coding-DNA position 2879, A replaced by G.
Molecular consequence: intron variant.
Genome position (GRCh38, 1-based): chr2:50,497,313, T>C on the plus strand (A>G on the coding strand, the complement: NRXN1 is on the minus strand). VCF-style: chr2-50497313-T-C. GRCh37 (hg19) VCF-style: chr2-50724451-T-C.
Other names: c.2768+20A>G (NM_001330096.2, NM_001330087.2); c.2813+20A>G (NM_001330083.2, NM_001330084.2); c.2798+20A>G (NM_001330088.2); c.2876+20A>G (NM_001330093.2); c.2867+20A>G (NM_001330094.2); c.2828+20A>G (NM_001330095.2); c.2855+20A>G (NM_001330082.2, NM_001330077.2); c.2852+20A>G (NM_001330085.2); and 2 more.
Identifiers: ClinVar variation 138558 (VCV000138558.10), dbSNP rs200986624, ClinGen allele CA292604.